The following is an entry in ClinVar:

NM_001037333.3(CYFIP2):c.900+1G>C

Gene: CYFIP2 (cytoplasmic FMR1 interacting protein 2; plus strand). Cytogenetic location: 5q33.3.
Variant type: single nucleotide variant.
Coding change: c.900+1G>C on transcript NM_001037333.3 (MANE Select); the canonical splice donor site of the intron after coding-DNA position 900, G replaced by C.
Molecular consequence: splice donor variant.
Genome position (GRCh38, 1-based): chr5:157,307,866, G>C. VCF-style: chr5-157307866-G-C. GRCh37 (hg19) VCF-style: chr5-156734874-G-C.
Other names: c.900+1G>C (NM_001291722.2, NM_014376.4); c.822+1G>C (NM_001291721.2).
Identifiers: ClinVar variation 2500400 (VCV002500400.1), dbSNP rs2532337857, ClinGen allele CA361967668.

ClinVar aggregate classification (germline): Uncertain significance (1 of 4 stars; one submission).

Submission:

GeneDx
Classification: Uncertain significance. Last evaluated: 2022-10-25. Review status: criteria provided, single submitter. Criteria: GeneDx Variant Classification Process June 2021. Collection method: clinical testing. Allele origin: germline. Affected: yes.
Comment: Not observed at significant frequency in large population cohorts (gnomAD); Canonical splice site variant with an unclear effect on protein function; Has not been previously published as pathogenic or benign to our knowledge